The following is an entry in ClinVar:

ClinVar aggregate classification (germline): Uncertain significance (1 of 4 stars; one submission).

Conditions:
BDNF-related disorder. Also called: BDNF-related condition.

Submission:

PreventionGenetics, part of Exact Sciences
Classification: Uncertain significance for BDNF-related condition. Last evaluated: 2026-09-21. Review status: criteria provided, single submitter. Criteria: ACMG Guidelines, 2015. Collection method: clinical testing. Allele origin: germline.
Comment: The BDNF c.669_682del14 variant is predicted to result in an in-frame deletion (p.Cys223fs). This variant can also be referred to as c.423_436del14 (p.Cys141fs) using an alternative transcript (NM_170735). To our knowledge, this variant has not been reported in the literature or in a large population database gnomAD, indicating this variant is rare. Although we suspect that this variant may be pathogenic, at this time, the clinical significance of this variant is uncertain due to the absence of conclusive functional and genetic evidence.

NM_001709.5(BDNF):c.423_436del (p.Cys141_Glu146delinsTer)

Genes: BDNF (brain derived neurotrophic factor; minus strand), BDNF-AS (BDNF antisense RNA; plus strand). Cytogenetic location: 11p14.1.
Variant type: Deletion.
Coding change: c.423_436del on transcript NM_001709.5 (MANE Select); coding-DNA positions 423 to 436, 14 bases deleted (TGACAGTATTAGTG).
Protein change: p.Cys141_Glu146delinsTer.
Molecular consequence: nonsense.
Genome position (GRCh38, 1-based): chr11:27,658,129-27,658,142, CACTAATACTGTCA deleted on the plus strand (TGACAGTATTAGTG on the coding strand, the reverse complement: BDNF is on the minus strand); deleting any 14 consecutive bases within chr11:27,658,129-27,658,145 gives the same sequence; the c. name uses the placement nearest the transcript's 3' end. VCF-style (leftmost placement, unchanged base first): chr11-27658128-TCACTAATACTGTCA-T. GRCh37 (hg19) VCF-style: chr11-27679675-TCACTAATACTGTCA-T.
Other names: c.423_436del, p.Cys141_Glu146delinsTer (NM_001143805.1, NM_001143806.1, NM_001143807.2 and 9 more transcripts); c.510_523del, p.Cys170_Glu175delinsTer (NM_001143809.2); c.669_682del, p.Cys223_Glu228delinsTer (NM_001143810.2); c.447_460del, p.Cys149_Glu154delinsTer (NM_170731.5); c.468_481del, p.Cys156_Glu161delinsTer (NM_170734.4).
Identifiers: ClinVar variation 4994567 (VCV004994567.1).